The following is an entry in ClinVar:

ClinVar aggregate classification (germline): Uncertain significance (1 of 4 stars; one submission).

Conditions:
Hereditary cancer-predisposing syndrome. Also called: Neoplastic Syndromes, Hereditary; Hereditary Cancer Syndrome; Hereditary neoplastic syndrome; Tumor predisposition. Identifiers: Orphanet 140162, MedGen C0027672, MeSH D009386, MONDO:0015356.

Submission:

Ambry Genetics
Classification: Uncertain significance for Hereditary cancer-predisposing syndrome. Last evaluated: 2023-05-31. Review status: criteria provided, single submitter. Criteria: Ambry Variant Classification Scheme 2023. Collection method: clinical testing. Allele origin: germline.
Comment: The p.F715C variant (also known as c.2144T>G), located in coding exon 14 of the PTCH1 gene, results from a T to G substitution at nucleotide position 2144. The phenylalanine at codon 715 is replaced by cysteine, an amino acid with highly dissimilar properties. This amino acid position is conserved. In addition, the in silico prediction for this alteration is inconclusive. Since supporting evidence is limited at this time, the clinical significance of this alteration remains unclear.

NM_000264.5(PTCH1):c.2144T>G (p.Phe715Cys)

Genes: PTCH1 (patched 1; minus strand), LOC100507346 (uncharacterized LOC100507346; plus strand). Cytogenetic location: 9q22.32.
Variant type: single nucleotide variant.
Coding change: c.2144T>G on transcript NM_000264.5 (MANE Select); coding-DNA position 2144, T replaced by G.
Protein change: p.Phe715Cys; replaces phenylalanine 715 with cysteine.
Molecular consequence: missense variant. On other transcripts: non-coding transcript variant (2).
Genome position (GRCh38, 1-based): chr9:95,468,857, A>C on the plus strand (T>G on the coding strand, the complement: PTCH1 is on the minus strand). VCF-style: chr9-95468857-A-C. GRCh37 (hg19) VCF-style: chr9-98231139-A-C.
Other names: c.1946T>G, p.Phe649Cys (NM_001083602.3); c.2141T>G, p.Phe714Cys (NM_001083603.3); c.1691T>G, p.Phe564Cys (NM_001083604.3, NM_001083605.3, NM_001083606.3 and 1 more transcripts); c.1988T>G, p.Phe663Cys (NM_001354918.2); short protein forms F649C, F715C, F714C, F564C, F663C.
Identifiers: ClinVar variation 2564405 (VCV002564405.2), dbSNP rs2118033813, ClinGen allele CA374115563.